The following is an entry in ClinVar:

NM_022124.6(CDH23):c.6517G>T (p.Glu2173Ter)

Gene: CDH23 (cadherin related 23; plus strand). Cytogenetic location: 10q22.1.
Variant type: single nucleotide variant.
Coding change: c.6517G>T on transcript NM_022124.6 (MANE Select); coding-DNA position 6517, G replaced by T.
Protein change: p.Glu2173Ter; replaces glutamic acid 2173 with a stop codon.
Molecular consequence: nonsense.
Genome position (GRCh38, 1-based): chr10:71,793,445, G>T. VCF-style: chr10-71793445-G-T. GRCh37 (hg19) VCF-style: chr10-73553202-G-T.
Other names: c.6517G>T (NM_022124.5); short protein forms E2173*.
Identifiers: ClinVar variation 3241050 (VCV003241050.2), dbSNP rs770659035.
Genomic context (GRCh38, chr10:71,793,445, plus strand): 5'-CCTCTCTCGGGCACAGCCATTGTCACCATTCTGATCGATGACATCAATGACTCCCGCCCC[G>T]AGTTCCTCAACCCCATCCAGACAGTGAGCGTGCTGGAGTCGGCTGAGCCAGGCACTGTCA-3'

ClinVar aggregate classification (germline): Pathogenic. Review status: criteria provided, multiple submitters, no conflicts (2 of 4 stars). 2 submissions from 2 submitters: Pathogenic (2). Last evaluated 2025-07-07.

Conditions:
Pituitary adenoma 5, multiple types. Identifiers: MedGen C4539685, MONDO:0054601, OMIM 617540.

gnomAD v4.1: 4 of 1,613,958 alleles (0.00025%); highest among the groups gnomAD compares: Non-Finnish European, 0.00025%; no homozygotes.

Submissions (2):

GeneDx
Classification: Pathogenic. Last evaluated: 2025-07-07. Review status: criteria provided, single submitter. Criteria: GeneDx Variant Classification Process June 2021. Collection method: clinical testing. Allele origin: germline. Affected: yes.
Comment: Nonsense variant predicted to result in protein truncation or nonsense mediated decay in a gene for which loss of function is a known mechanism of disease; Not observed at significant frequency in large population cohorts (gnomAD); This variant is associated with the following publications: (PMID: 27957503)

Baylor Genetics
Classification: Pathogenic for Pituitary adenoma 5, multiple types. Last evaluated: 2023-12-25. Review status: criteria provided, single submitter. Criteria: ACMG Guidelines, 2015. Collection method: clinical testing. Allele origin: unknown.